The following is an entry in ClinVar:

NM_006845.4(KIF2C):c.2093G>A (p.Arg698Gln)

Gene: KIF2C (kinesin family member 2C; plus strand). Cytogenetic location: 1p34.1.
Variant type: single nucleotide variant.
Coding change: c.2093G>A on transcript NM_006845.4 (MANE Select); coding-DNA position 2093, G replaced by A.
Protein change: p.Arg698Gln; replaces arginine 698 with glutamine.
Molecular consequence: missense variant.
Genome position (GRCh38, 1-based): chr1:44,766,947, G>A. VCF-style: chr1-44766947-G-A. GRCh37 (hg19) VCF-style: chr1-45232619-G-A.
Other names: c.1970G>A, p.Arg657Gln (NM_001297655.2); c.1931G>A, p.Arg644Gln (NM_001297656.2); c.1754G>A, p.Arg585Gln (NM_001297657.2); short protein forms R585Q, R644Q, R657Q, R698Q.
Identifiers: ClinVar variation 2638777 (VCV002638777.24), dbSNP rs17856264, ClinGen allele CA821019.

ClinVar aggregate classification (germline): Likely benign (1 of 4 stars; one submission).

Allele frequency attached by ClinVar (database versions not stated): gnomAD exomes 0.00028; ExAC 0.00081; 1000 Genomes Project 30x 0.00187; 1000 Genomes Project 0.00200; gnomAD 0.00236; TOPMed 0.00290; ESP Exome Variant Server 0.00369.
gnomAD v4.1: 806 of 1,614,214 alleles (0.05%); highest among the groups gnomAD compares: African/African-American, 0.9%; 8 homozygotes.

Submission:

CeGaT Center for Human Genetics Tuebingen
Classification: Likely benign. Last evaluated: 2022-05-01. Review status: criteria provided, single submitter. Criteria: CeGaT Center For Human Genetics Tuebingen Variant Classification Criteria Version 2. Collection method: clinical testing. Allele origin: germline. Affected: yes. Observed: 1 variant allele.
Comment: KIF2C: BP4